The following is an entry in ClinVar:

ClinVar aggregate classification (germline): Uncertain significance. Review status: criteria provided, multiple submitters, no conflicts (2 of 4 stars). 2 submissions from 2 submitters: Uncertain significance (2). Last evaluated 2026-07-31.

Conditions:
Peutz-Jeghers syndrome (PJS). Also called: POLYPOSIS, HAMARTOMATOUS INTESTINAL; POLYPS-AND-SPOTS SYNDROME; Peutz-Jeghers polyposis; Periorificial lentiginosis syndrome. Identifiers: Orphanet 2869, MedGen C0031269, MeSH D010580, MONDO:0008280, OMIM 175200.
Hereditary cancer-predisposing syndrome. Also called: Hereditary Cancer Syndrome; Hereditary neoplastic syndrome; Neoplastic Syndromes, Hereditary; Tumor predisposition. Identifiers: Orphanet 140162, MedGen C0027672, MeSH D009386, MONDO:0015356.

Submissions (2):

Ambry Genetics
Classification: Uncertain significance for Hereditary cancer-predisposing syndrome. Last evaluated: 2026-07-31. Review status: criteria provided, single submitter. Criteria: Ambry Variant Classification Scheme 2023. Collection method: clinical testing. Allele origin: germline.
Comment: The p.Q159E variant (also known as c.475C>G), located in coding exon 4 of the STK11 gene, results from a C to G substitution at nucleotide position 475. The glutamine at codon 159 is replaced by glutamic acid, an amino acid with highly similar properties. This amino acid position is highly conserved in available vertebrate species. In addition, this alteration is predicted to be deleterious by in silico analysis. Based on the available evidence, the clinical significance of this variant remains unclear.

All of Us Research Program, National Institutes of Health
Classification: Uncertain significance for Peutz-Jeghers syndrome. Last evaluated: 2023-02-24. Review status: criteria provided, single submitter. Criteria: ACMG Guidelines, 2015. Collection method: clinical testing. Allele origin: germline. Inheritance: Autosomal dominant inheritance. Observed: 1 variant allele, 1 heterozygote.
Comment: This missense variant replaces glutamine with glutamic acid at codon 159 of the STK11 protein. Computational prediction suggests that this variant may have deleterious impact on protein structure and function (internally defined REVEL score threshold >= 0.7, PMID: 27666373). To our knowledge, functional studies have not been reported for this variant. This variant has not been reported in individuals affected with STK11-related disorders in the literature. This variant has not been identified in the general population by the Genome Aggregation Database (gnomAD). The available evidence is insufficient to determine the role of this variant in disease conclusively. Therefore, this variant is classified as a Variant of Uncertain Significance.

This study involves interpretation of variants in research participants for the purpose of population health screening. Participant phenotype was not available at the time of variant classification. Additional details can be found in publication PMID: 35346344, PMCID: PMC8962531

NM_000455.5(STK11):c.475C>G (p.Gln159Glu)

Gene: STK11 (serine/threonine kinase 11; plus strand). Cytogenetic location: 19p13.3.
Variant type: single nucleotide variant.
Coding change: c.475C>G on transcript NM_000455.5 (MANE Select); coding-DNA position 475, C replaced by G.
Protein change: p.Gln159Glu; replaces glutamine 159 with glutamic acid.
Molecular consequence: missense variant.
Genome position (GRCh38, 1-based): chr19:1,220,383, C>G. VCF-style: chr19-1220383-C-G. GRCh37 (hg19) VCF-style: chr19-1220382-C-G.
Other names: c.475C>G, p.Gln159Glu (NM_001407255.1); short protein forms Q159E.
Identifiers: ClinVar variation 1742883 (VCV001742883.4), dbSNP rs2145424136, ClinGen allele CA402948811.
Genomic context (GRCh38, chr19:1,220,383, plus strand): 5'-GTGAGGGGCAGGGAGGCCTCGGCCCCAGGACGGGTGTGTGCTGCCCGCAGGTACTTCTGT[C>G]AGCTGATTGACGGCCTGGAGTACCTGCATAGCCAGGGCATTGTGCACAAGGACATCAAGC-3'
Protein context (NP_000446.1, residues 149-169): PVCQAHGYFC[Gln159Glu]LIDGLEYLHS